The following is an entry in ClinVar:

NM_001377.3(DYNC2H1):c.10309G>A (p.Glu3437Lys)

Gene: DYNC2H1 (dynein cytoplasmic 2 heavy chain 1; plus strand). Cytogenetic location: 11q22.3.
Variant type: single nucleotide variant.
Coding change: c.10309G>A on transcript NM_001377.3 (MANE Select); coding-DNA position 10309, G replaced by A.
Protein change: p.Glu3437Lys; replaces glutamic acid 3437 with lysine.
Molecular consequence: missense variant.
Genome position (GRCh38, 1-based): chr11:103,255,517, G>A. VCF-style: chr11-103255517-G-A. GRCh37 (hg19) VCF-style: chr11-103126246-G-A.
Other names: c.10330G>A, p.Glu3444Lys (NM_001080463.2); short protein forms E3437K, E3444K.
Identifiers: ClinVar variation 3064232 (VCV003064232.1), dbSNP rs865919156, ClinGen allele CA227414660.

ClinVar aggregate classification (germline): Uncertain significance (1 of 4 stars; one submission).

Conditions:
Ciliopathy. Also called: Ciliopathies. Identifiers: Orphanet 363250, MedGen C4277690, MONDO:0005308, MeSH D000072661.

gnomAD v4.1: 2 of 1,555,850 alleles (0.00013%); highest among the groups gnomAD compares: Non-Finnish European, 0.00017%; no homozygotes.

Submission:

Pediatric Genomics Discovery Program, Yale University
Classification: Uncertain significance for Ciliopathy. Last evaluated: 2024-03-14. Review status: criteria provided, single submitter. Criteria: ACMG Guidelines, 2015. Collection method: research. Allele origin: biparental. Inheritance: Autosomal recessive inheritance. Affected: yes. Observed: 1 homozygote.
Comment: The Glu3444Lys variant in DYNC2H1 has not been previously reported in affected patients with any phenotype, and was absent from large population studies. In summary, the Glu3444Lys variant is classified as a variant of uncertain significance as per ACMG criteria.